The following is an entry in ClinVar:

NM_001142966.3(GREB1L):c.2019G>A (p.Pro673=)

Gene: GREB1L (GREB1 like retinoic acid receptor coactivator; plus strand). Cytogenetic location: 18q11.1.
Variant type: single nucleotide variant.
Coding change: c.2019G>A on transcript NM_001142966.3 (MANE Select); coding-DNA position 2019, G replaced by A.
Protein change: p.Pro673=; no amino-acid change (proline 673 retained).
Molecular consequence: synonymous variant.
Genome position (GRCh38, 1-based): chr18:21,454,400, G>A. VCF-style: chr18-21454400-G-A. GRCh37 (hg19) VCF-style: chr18-19034361-G-A.
Other names: c.2148G>A, p.Pro716= (NM_001410867.1); c.1692G>A, p.Pro564= (NM_001410868.1).
Identifiers: ClinVar variation 3350507 (VCV003350507.1).

ClinVar aggregate classification (germline): Likely benign (0 of 4 stars; one submission).

Conditions:
GREB1L-related disorder. Also called: GREB1L-related condition.

gnomAD v4.1: 126 of 1,551,296 alleles (0.0081%); highest among the groups gnomAD compares: Middle Eastern, 0.017%; no homozygotes.

Submission:

PreventionGenetics, part of Exact Sciences
Classification: Likely benign for GREB1L-related condition. Last evaluated: 2024-04-26. Review status: no assertion criteria provided. Collection method: clinical testing. Allele origin: germline.
Comment: This variant is classified as likely benign based on ACMG/AMP sequence variant interpretation guidelines (Richards et al. 2015 PMID: 25741868, with internal and published modifications).